The following is an entry in ClinVar:

ClinVar aggregate classification (germline): Pathogenic (1 of 4 stars; one submission).

Conditions:
Osteogenesis imperfecta type 7 (OI7). Also called: OSTEOGENESIS IMPERFECTA, TYPE IIB; Osteogenesis imperfecta type 2B; OI type 2B; Osteogenesis imperfecta, perinatal lethal autosomal recessive; OI type IIB; OI type 7. Identifiers: MedGen C1853162, MONDO:0012536, OMIM 610682.

Submission:

Labcorp Genetics (formerly Invitae), Labcorp
Classification: Pathogenic for Osteogenesis imperfecta type 7. Last evaluated: 2023-04-10. Review status: criteria provided, single submitter. Criteria: Invitae Variant Classification Sherloc (09022015). Collection method: clinical testing. Allele origin: germline.
Comment: This sequence change creates a premature translational stop signal (p.Gln124*) in the CRTAP gene. It is expected to result in an absent or disrupted protein product. Loss-of-function variants in CRTAP are known to be pathogenic (PMID: 17055431, 19862557, 24715559). This variant is not present in population databases (gnomAD no frequency). This variant has not been reported in the literature in individuals affected with CRTAP-related conditions. For these reasons, this variant has been classified as Pathogenic.

Literature cited by the submitters: PubMed 17055431; PubMed 19862557; PubMed 24715559.

NM_006371.5(CRTAP):c.370C>T (p.Gln124Ter)

Gene: CRTAP (cartilage associated protein; plus strand). Cytogenetic location: 3p22.3.
Variant type: single nucleotide variant.
Coding change: c.370C>T on transcript NM_006371.5 (MANE Select); coding-DNA position 370, C replaced by T.
Protein change: p.Gln124Ter; replaces glutamine 124 with a stop codon.
Molecular consequence: nonsense.
Genome position (GRCh38, 1-based): chr3:33,114,447, C>T. VCF-style: chr3-33114447-C-T. GRCh37 (hg19) VCF-style: chr3-33155939-C-T.
Other names: c.370C>T, p.Gln124Ter (NM_001393363.1, NM_001393364.1, NM_001393365.1); short protein forms Q124*.
Identifiers: ClinVar variation 2718077 (VCV002718077.3), dbSNP rs1701318535, ClinGen allele CA352008712.
Genomic context (GRCh38, chr3:33,114,447, plus strand): 5'-CCCGAGCTGCGCCTCTTCGGGGGCCTGCTGCGCCGCGCGCACTGCCTCAAGCGCTGCAAG[C>T]AGGGCCTGCCAGCCTTCCGCCAGTCCCAGCCCAGCCGCGAGGTGCTGGCGGACTTCCAGC-3'